The following continues an entry in ClinVar:

NM_000492.4(CFTR):c.3154T>G (p.Phe1052Val)

ClinVar aggregate classification (germline): drug response. drug response (1).

Submissions 6 to 12 of 39:

Natera, Inc.
Classification: Likely pathogenic for CFTR-related disorders. Last evaluated: 2025-11-09. Review status: criteria provided, single submitter. Criteria: Natera Variant Classification Schema (03/2026). Collection method: clinical testing. Allele origin: germline. Not counted in ClinVar's aggregate classification.
Comment: The c.3154T>G variant in CFTR is a missense variant predicted to cause substitution of phenylalanine to valine at amino acid 1052. This variant is rare in the general population with a frequency below the threshold expected for the associated phenotype(s). This variant has been observed in at least one unaffected individual, with a zygosity that is consistent with the inheritance pattern for the associated condition (in gnomAD and/or literature). This variant has been observed in one or more individuals affected with the associated recessive disease, as either homozygous or compound heterozygous with a second variant (PMID: 9521595, 12439892, 18373402, 32003094, 34860163). Computational prediction algorithms indicate this variant is likely to affect gene or protein function. Given the available evidence, this variant is classified as Likely Pathogenic.

Department of Molecular Genetics, Istishari Arab Hospital
Classification: Pathogenic for Hereditary pancreatitis. Last evaluated: 2025-07-22. Review status: criteria provided, single submitter. Criteria: ACMG Guidelines, 2015. Collection method: clinical testing. Allele origin: germline. Inheritance: Autosomal dominant inheritance. Affected: yes. Not counted in ClinVar's aggregate classification.
Comment: The CFTR variant c.3154T>G creates an amino acid change from Phe to Val at position 1052. This variant has previously been reported in individuals with pancreatitis (PMID: 20460946, 17489851, 25704068, 25033378). It was detected with another heterozygous variant in the SPINK1 gene (c.-142T>C ). It is classified as pathogenic according to the recommendations of ACMG/AMP/ClinGen SVI guidelines. These two variants in the SPINK1 and CFTR genes has been described as a susceptibility factor contributing to pancreatitis, particularly when occurring together in a trans-heterozygous state. However, such variants are not sufficient on their own to cause disease, and are best interpreted in the context of a multifactorial etiology (PMID: 11938439, OMIM: 167800).

ARUP Laboratories, Molecular Genetics and Genomics, ARUP Laboratories
Classification: Pathogenic for Cystic fibrosis; Bronchiectasis with or without elevated sweat chloride 1; Hereditary pancreatitis; Congenital bilateral aplasia of vas deferens from CFTR mutation. Last evaluated: 2025-05-19. Review status: criteria provided, single submitter. Criteria: ARUP Molecular Germline Variant Investigation Process 2024. Collection method: clinical testing. Allele origin: germline. Not counted in ClinVar's aggregate classification.
Comment: The CFTR c.3154T>G; p.Phe1052Val variant (rs150212784) has been reported in patients diagnosed with cystic fibrosis (Brancolini 1995, Lakeman 2008, Mercier 1993, Onay 1998, Sosnay 2013) and CFTR-related disorders (Gallati 2009, Pelletier 2010, Puechal 2011, Tzetis 2007), and associated with varying clinical consequences (CFTR2 database). Functional studies indicate that the variant protein has normal maturation and conductance (Sosnay 2013, Van Goor 2014), but altered channel kinetics (Cotten 1996, Seibert 1996). The variant is reported in ClinVar (Variation ID: 35865). It is found in the general population with an overall allele frequency of 0.06% (177/281760 alleles, including 1 homozygote) in the Genome Aggregation Database. The phenylalanine at codon 1052 is highly conserved, and computational analyses predict that this variant is deleterious (REVEL: 0.948). Based on available information, this variant is considered to be pathogenic with a variable presentation of clinical phenotypes. References: CFTR2 database: Brancolini V et al. Search for mutations in pancreatic sufficient cystic fibrosis Italian patients: detection of 90% of molecular defects and identification of three novel mutations. Hum Genet. 1995; 96(3):312-8. Cotten J et al. Effect of cystic fibrosis-associated mutations in the fourth intracellular loop of cystic fibrosis transmembrane conductance regulator. J Biol Chem. 1996; 271(35):21279-84. Gallati S et al Cystic fibrosis transmembrane conductance regulator mutations in azoospermic and oligospermic men and their partners. Reprod Biomed Online. 2009; 19(5):685-94. Lakeman P et al. CFTR mutations in Turkish and North African cystic fibrosis patients in Europe: implications for screening. Genet Test. 2008;12(1):25-35. Mercier B et al. Identification of eight novel mutations in a collaborative analysis of a part of the second transmembrane domain of the CFTR gene. Genomics. 1993; 16(1):296-7. Onay T et al. Analysis of the CFTR gene in Turkish cystic fibrosis patients: identification of three novel mutations (3172delAC, P1013L and M1028I). Hum Genet. 1998; 102(2):224-30. Pelletier A et al. CFTR gene mutation in patients with apparently idiopathic pancreatitis: lack of phenotype-genotype correlation. Pancreatology. 2010; 10(2-3):158-64. Puechal X et al. Mutations of the cystic fibrosis gene in patients with bronchiectasis associated with rheumatoid arthritis. Ann Rheum Dis. 2011; 70(4):653-9. Seibert F et al. Disease-associated mutations in the fourth cytoplasmic loop of cystic fibrosis transmembrane conductance regulator compromise biosynthetic processing and chloride channel activity. J Biol Chem. 1996; 271(25):15139-45. Sosnay PR et al. Defining the disease liability of variants in the cystic fibrosis transmembrane conductance regulator gene. Nat Genet. 2013; 45(10):1160-7. Tzetis M et al. Contribution of the CFTR gene, the pancreatic secretory trypsin inhibitor gene (SPINK1) and the cationic trypsinogen gene (PRSS1) to the etiology of recurrent pancreatitis. Clin Genet. 2007; 71(5):451-7. Van Goor F et al. Effect of ivacaftor on CFTR forms with missense mutations associated with defects in protein processing or function. J Cyst Fibros. 2014; 13(1):29-36.

Genome Diagnostics Laboratory, The Hospital for Sick Children
Classification: Uncertain significance for Cystic fibrosis. Last evaluated: 2025-04-06. Review status: criteria provided, single submitter. Criteria: ACMG Guidelines, 2015. Collection method: clinical testing. Allele origin: germline. Affected: yes. Not counted in ClinVar's aggregate classification.
Comment: This missense variant results in a change of phenylalanine to valine at position 1052, and in silico programs predict this variant to be damaging. This variant has been reported in individuals with classic cystic fibrosis or with variable features of CFTR-related disorders including congenital absence of the vas deferens (CBAVD) in the homozygous state or in trans with pathogenic variants (PMID: 7544319, PMID: 9521595, PMID: 18373402, PMID: 17489851, PMID: 20021716, PMID: 20460946, PMID: 28603918, PMID: 32150665, PMID:33393655). However, this variant has also been observed in at least one asymptomatic individual with borderline sweat chloride levels (PMID: 28603918; PMID: 29589582). Functional assays suggest the c.3154T>G (p.Phe1052Val) variant mildly reduces chloride channel activity, but it is unclear if this defect is clinically significant (PMID: 8702904; PMID: 8662892; PMID: 23974870; PMID: 23891399). This variant is observed at an allele frequency of 0.046% (746 of 1608928 alleles) in populations of the Genome Aggregation Database (gnomAD), including 1 homozygote. Based on the evidence, this variant is classified as a variant of uncertain significance (VUS) in the context of classical cystic fibrosis and as pathogenic in the context of CFTR-related disorders. (ACMG criteria - PM3_S, PP3)

CeGaT Center for Human Genetics Tuebingen
Classification: Pathogenic. Last evaluated: 2025-04-01. Review status: criteria provided, single submitter. Criteria: CeGaT Center For Human Genetics Tuebingen Variant Classification Criteria Version 2. Collection method: clinical testing. Allele origin: germline. Affected: yes. Observed: 17 variant alleles. Not counted in ClinVar's aggregate classification.
Comment: CFTR: PM3:Very Strong, PM2, PP3, PS3:Supporting

Variantyx, Inc.
Classification: Likely pathogenic for Cystic fibrosis. Last evaluated: 2025-03-23. Review status: criteria provided, single submitter. Criteria: Variantyx Assertion Criteria 2022. Collection method: clinical testing. Allele origin: maternal. Not counted in ClinVar's aggregate classification.
Comment: This is a nonsynonymous variant in the CFTR gene (OMIM: 602421). Pathogenic variants in this gene have been associated with autosomal recessive cystic fibrosis. This variant has been reported in the homozygous or compound heterozygous state in several unrelated affected individuals (PMID: 18373402 , 12439892, 29168366, 12200467, 15480987, 36458240, 34949556, 9521595) (PM3_Strong). Functional studies have shown that this variant alters CFTR protein function (PMID: 8662892, 23891399, 8702904) (PS3_Moderate). Multiple computational algorithms predict a deleterious effect for this variant (REVEL score: 0.948) (PP3_Moderate). This variant has a 0.0869% maximum allele frequency in non-founder control populations (PM2_Supporting). Based on the current evidence, this variant is classified as likely pathogenic for autosomal recessive cystic fibrosis.

First Genomix Gene Laboratory, Genetic Diagnostics Department
Classification: Likely pathogenic for Congenital bilateral aplasia of vas deferens from CFTR mutation; Cystic fibrosis. Last evaluated: 2025-03-13. Review status: criteria provided, single submitter. Criteria: ACMG Guidelines, 2015. Collection method: clinical testing. Allele origin: germline. Inheritance: Autosomal recessive inheritance. Affected: no. Observed: 1 variant allele. Not counted in ClinVar's aggregate classification.